The following is an entry in ClinVar:

ClinVar aggregate classification (germline): Likely pathogenic. Review status: reviewed by expert panel (3 of 4 stars). 2 submissions from 2 submitters: Likely pathogenic (1). 1 of the submissions does not count toward it. Last evaluated 2025-02-11.

Conditions:
Bernard Soulier syndrome (BSS). Also called: GLYCOPROTEIN Ib, PLATELET, DEFICIENCY OF; Platelet Glycoprotein 1b, Deficiency of; VON WILLEBRAND FACTOR RECEPTOR DEFICIENCY; Giant platelet syndrome; Hemorrhagiparous thrombocytic dystrophy; Giant platelet disease. Identifiers: Orphanet 274, MedGen C0005129, MeSH D001606, MONDO:0009276, OMIM 231200.
MACROTHROMBOCYTOPENIA, FAMILIAL, BERNARD-SOULIER TYPE. Identifiers: MedGen CN071127, OMIM 231200.

Submissions (2):

ClinGen Platelet Disorders Variant Curation Expert Panel, ClinGen
Classification: Likely pathogenic for Bernard Soulier syndrome. Last evaluated: 2025-02-11. Review status: reviewed by expert panel. Criteria: ClinGen Platelet ACMG Specifications GP1BB V1.0.0. Collection method: curation. Allele origin: germline. Inheritance: Autosomal recessive inheritance.
Comment: The NM_000407.5(GP1BB):c.338A>G (p.Tyr113Cys) is a rare missense variant with a Grpmax Filtering allele frequency in gnomAD v4.1 is 0.00004600 (based on 4/29100 alleles in the East Asian population), which is lower than the ClinGen PD VCEP threshold (<0.00006517; PM2_Supporting). The computational predictor REVEL gives a score of 0.748, which is above the ClinGen PD VCEP threshold of >0.644 and predicts a damaging effect on function (PP3). Plasmids encoding GPIb, GPIb and GPIX were transiently transfected into 293T cells, and this variant suppressed the expression of GPIb/IX complexes (PMID: 11816714; PS3_supporting). This variant has been reported in one homozygous BSS patient (PMID: 11816714; PM3_supporting) and one compound heterozygous BSS patient (PMID: 24051937) with in trans variant Arg82Cys (classified VUS by the PD VCEP). At least one patient (PMID: 11816714) with this variant had aggregation absent for ristocetin and present for all other agonists and GPIb was detectable in reduced amounts on platelet surfaces by flow cytometry, which is highly specific for Bernard-Soulier syndrome (PP4). Additionally, the patient had excessive mucocutaneous bleeding and macrothrombocytopenia which are consistent with Bernard-Soulier syndrome. Seven individuals heterozygous for the variant are considered informative due to measurable, quantitative abnormalities relevant to the disease (i.e. significantly reduced platelet surface expression of GP1b, giant platelets, and macrothrombocytopenia) in PMIDs: 11816714 and 28064200 (PS4_moderate). Plus there was segregation of this variant in 5 additional informative heterozygous family members (PMID: 28064200 and PMID: 11816714; PP1). In summary this variant is classified as Likely Pathogenic using the ACMG criteria specified by the PD VCEP: PS4_Moderate, PS3_supporting, PM2_supporting, PM3_supporting, PP1, PP3, and PP4.

OMIM
Classification: Pathogenic for MACROTHROMBOCYTOPENIA, FAMILIAL, BERNARD-SOULIER TYPE (1 family). Last evaluated: 1997-04-01. Review status: no assertion criteria provided. Collection method: literature only. Allele origin: germline. Not counted in ClinVar's aggregate classification.

Literature cited by the submitters: PubMed 9116284 (cited by OMIM).

NM_000407.5(GP1BB):c.338A>G (p.Tyr113Cys)

Genes: GP1BB (glycoprotein Ib platelet subunit beta; plus strand), SEPT5-GP1BB (SEPT5-GP1BB readthrough; plus strand). Cytogenetic location: 22q11.21.
Variant type: single nucleotide variant.
Coding change: c.338A>G on transcript NM_000407.5 (MANE Select); coding-DNA position 338, A replaced by G.
Protein change: p.Tyr113Cys; replaces tyrosine 113 with cysteine.
Molecular consequence: missense variant. On other transcripts: non-coding transcript variant (2).
Genome position (GRCh38, 1-based): chr22:19,724,181, A>G. VCF-style: chr22-19724181-A-G. GRCh37 (hg19) VCF-style: chr22-19711704-A-G.
Other names: Y88C; NM_000407.5(GP1BB):c.338A>G; short protein forms Y113C.
Identifiers: ClinVar variation 16038 (VCV000016038.3), dbSNP rs121909750, ClinGen allele CA126154.